The following is an entry in ClinVar:

ClinVar aggregate classification (germline): Uncertain significance. Review status: criteria provided, multiple submitters, no conflicts (2 of 4 stars). 4 submissions from 4 submitters: Uncertain significance (4). Last evaluated 2026-04-30.

Conditions:
Hereditary cancer-predisposing syndrome. Also called: Tumor predisposition; Hereditary Cancer Syndrome; Neoplastic Syndromes, Hereditary; Hereditary neoplastic syndrome. Identifiers: Orphanet 140162, MedGen C0027672, MeSH D009386, MONDO:0015356.
Fanconi anemia complementation group J. Also called: BRIP1-Related Fanconi Anemia. Identifiers: Orphanet 84, MedGen C1836860, MONDO:0012187, OMIM 609054.
Familial cancer of breast. Also called: hereditary breast carcinoma; Hereditary breast cancer; BREAST CANCER, FAMILIAL. Identifiers: Orphanet 227535, MedGen C0346153, MONDO:0016419, OMIM 114480. Disease mechanism: loss of function.

Allele frequency attached by ClinVar (database versions not stated): TOPMed 0.00001.

Submissions (4):

Ambry Genetics
Classification: Uncertain significance for Hereditary cancer-predisposing syndrome. Last evaluated: 2026-04-30. Review status: criteria provided, single submitter. Criteria: Ambry Variant Classification Scheme 2023. Collection method: clinical testing. Allele origin: germline.
Comment: The p.R356G variant (also known as c.1066C>G), located in coding exon 7 of the BRIP1 gene, results from a C to G substitution at nucleotide position 1066. The arginine at codon 356 is replaced by glycine, an amino acid with dissimilar properties. This amino acid position is highly conserved in available vertebrate species. In addition, this alteration is predicted to be deleterious by in silico analysis. Based on the available evidence, the clinical significance of this variant remains unclear.

Labcorp Genetics (formerly Invitae), Labcorp
Classification: Uncertain significance for Familial cancer of breast; Fanconi anemia complementation group J. Last evaluated: 2024-05-15. Review status: criteria provided, single submitter. Criteria: Invitae Variant Classification Sherloc (09022015). Collection method: clinical testing. Allele origin: germline.
Comment: This sequence change replaces arginine, which is basic and polar, with glycine, which is neutral and non-polar, at codon 356 of the BRIP1 protein (p.Arg356Gly). This variant is not present in population databases (gnomAD no frequency). This variant has not been reported in the literature in individuals affected with BRIP1-related conditions. ClinVar contains an entry for this variant (Variation ID: 584972). Advanced modeling of protein sequence and biophysical properties (such as structural, functional, and spatial information, amino acid conservation, physicochemical variation, residue mobility, and thermodynamic stability) performed at Invitae indicates that this missense variant is expected to disrupt BRIP1 protein function with a positive predictive value of 80%. In summary, the available evidence is currently insufficient to determine the role of this variant in disease. Therefore, it has been classified as a Variant of Uncertain Significance.

Color Diagnostics, LLC DBA Color Health
Classification: Uncertain significance for Hereditary cancer-predisposing syndrome. Last evaluated: 2019-06-03. Review status: criteria provided, single submitter. Criteria: ACMG Guidelines, 2015. Collection method: clinical testing. Allele origin: germline.

Mendelics
Classification: Uncertain significance for Fanconi anemia, complementation group J. Last evaluated: 2018-07-02. Review status: criteria provided, single submitter. Criteria: Mendelics Assertion Criteria 2017. Collection method: clinical testing. Allele origin: unknown.

NM_032043.3(BRIP1):c.1066C>G (p.Arg356Gly)

Gene: BRIP1 (BRCA1 interacting DNA helicase 1; minus strand). Cytogenetic location: 17q23.2.
Variant type: single nucleotide variant.
Coding change: c.1066C>G on transcript NM_032043.3 (MANE Select); coding-DNA position 1066, C replaced by G.
Protein change: p.Arg356Gly; replaces arginine 356 with glycine.
Molecular consequence: missense variant.
Genome position (GRCh38, 1-based): chr17:61,801,327, G>C on the plus strand (C>G on the coding strand, the complement: BRIP1 is on the minus strand). VCF-style: chr17-61801327-G-C. GRCh37 (hg19) VCF-style: chr17-59878688-G-C.
Other names: short protein forms R356G.
Identifiers: ClinVar variation 584972 (VCV000584972.17), dbSNP rs730881633, ClinGen allele CA400484005.